The following is an entry in ClinVar:

NM_006767.4(LZTR1):c.2419C>T (p.Pro807Ser)

Gene: LZTR1 (leucine zipper like post translational regulator 1; plus strand). Cytogenetic location: 22q11.21.
Variant type: single nucleotide variant.
Coding change: c.2419C>T on transcript NM_006767.4 (MANE Select); coding-DNA position 2419, C replaced by T.
Protein change: p.Pro807Ser; replaces proline 807 with serine.
Molecular consequence: missense variant.
Genome position (GRCh38, 1-based): chr22:20,997,244, C>T. VCF-style: chr22-20997244-C-T. GRCh37 (hg19) VCF-style: chr22-21351533-C-T.
Other names: short protein forms P807S.
Identifiers: ClinVar variation 2496792 (VCV002496792.3), dbSNP rs778337323, ClinGen allele CA10119456.
Genomic context (GRCh38, chr22:20,997,244, plus strand): 5'-CCTTAGGTGGATCTGGTCCCATCTCCTTCCGGCCTGCTTGCCTTACAGGTCTCCAAGTTG[C>T]CCACCCTGCGGTCGCTGAGCCAGCAGCTGCTGCTGGACATCATAGACTCCCTGGCCTCCC-3'
Protein context (NP_006758.2, residues 797-817): VHQFTKVSKL[Pro807Ser]TLRSLSQQLL

ClinVar aggregate classification (germline): Uncertain significance. Review status: criteria provided, multiple submitters, no conflicts (2 of 4 stars). 2 submissions from 2 submitters: Uncertain significance (2). Last evaluated 2025-07-25.

Conditions:
Hereditary cancer-predisposing syndrome. Also called: Neoplastic Syndromes, Hereditary; Hereditary neoplastic syndrome; Tumor predisposition; Hereditary Cancer Syndrome. Identifiers: Orphanet 140162, MedGen C0027672, MeSH D009386, MONDO:0015356.
Cardiovascular phenotype. Identifiers: MedGen CN230736.

Allele frequency attached by ClinVar (database versions not stated): ExAC 0.00001.

Submissions (2):

Labcorp Genetics (formerly Invitae), Labcorp
Classification: Uncertain significance. Last evaluated: 2025-07-25. Review status: criteria provided, single submitter. Criteria: Invitae Variant Classification Sherloc (09022015). Collection method: clinical testing. Allele origin: germline.
Comment: This sequence change replaces proline, which is neutral and non-polar, with serine, which is neutral and polar, at codon 807 of the LZTR1 protein (p.Pro807Ser). This variant is present in population databases (rs778337323, gnomAD 0.006%). This variant has not been reported in the literature in individuals affected with LZTR1-related conditions. ClinVar contains an entry for this variant (Variation ID: 2496792). Invitae Evidence Modeling of protein sequence and biophysical properties (such as structural, functional, and spatial information, amino acid conservation, physicochemical variation, residue mobility, and thermodynamic stability) indicates that this missense variant is not expected to disrupt LZTR1 protein function with a negative predictive value of 80%. In summary, the available evidence is currently insufficient to determine the role of this variant in disease. Therefore, it has been classified as a Variant of Uncertain Significance.

Ambry Genetics
Classification: Uncertain significance for Cardiovascular phenotype; Hereditary cancer-predisposing syndrome. Last evaluated: 2022-11-14. Review status: criteria provided, single submitter. Criteria: Ambry Variant Classification Scheme 2023. Collection method: clinical testing. Allele origin: germline.
Comment: The p.P807S variant (also known as c.2419C>T), located in coding exon 21 of the LZTR1 gene, results from a C to T substitution at nucleotide position 2419. The proline at codon 807 is replaced by serine, an amino acid with similar properties. This amino acid position is highly conserved in available vertebrate species. In addition, the in silico prediction for this alteration is inconclusive. Since supporting evidence is limited at this time, the clinical significance of this alteration remains unclear.